The following is an entry in ClinVar:

ClinVar aggregate classification (germline): Uncertain significance (1 of 4 stars; one submission).

Conditions:
EGFR-related lung cancer (EGFR). Identifiers: MedGen CN130014.

gnomAD v4.1: 1 of 1,613,816 alleles (0.000062%); highest among the groups gnomAD compares: Non-Finnish European, 0.000085%; no homozygotes.

Submission:

Labcorp Genetics (formerly Invitae), Labcorp
Classification: Uncertain significance for EGFR-related lung cancer. Last evaluated: 2024-02-09. Review status: criteria provided, single submitter. Criteria: Invitae Variant Classification Sherloc (09022015). Collection method: clinical testing. Allele origin: germline.
Comment: This sequence change replaces lysine, which is basic and polar, with arginine, which is basic and polar, at codon 226 of the EGFR protein (p.Lys226Arg). This variant is not present in population databases (gnomAD no frequency). This variant has not been reported in the literature in individuals affected with EGFR-related conditions. Advanced modeling of protein sequence and biophysical properties (such as structural, functional, and spatial information, amino acid conservation, physicochemical variation, residue mobility, and thermodynamic stability) performed at Invitae indicates that this missense variant is not expected to disrupt EGFR protein function with a negative predictive value of 80%. In summary, the available evidence is currently insufficient to determine the role of this variant in disease. Therefore, it has been classified as a Variant of Uncertain Significance.

NM_005228.5(EGFR):c.677A>G (p.Lys226Arg)

Gene: EGFR (epidermal growth factor receptor; plus strand). Cytogenetic location: 7p11.2.
Variant type: single nucleotide variant.
Coding change: c.677A>G on transcript NM_005228.5 (MANE Select); coding-DNA position 677, A replaced by G.
Protein change: p.Lys226Arg; replaces lysine 226 with arginine.
Molecular consequence: missense variant. On other transcripts: intron variant (1).
Genome position (GRCh38, 1-based): chr7:55,152,594, A>G. VCF-style: chr7-55152594-A-G. GRCh37 (hg19) VCF-style: chr7-55220287-A-G.
Other names: c.542A>G, p.Lys181Arg (NM_001346897.2, NM_001346899.2); c.677A>G, p.Lys226Arg (NM_001346898.2, NM_201282.2, NM_201283.2 and 1 more transcripts); c.518A>G, p.Lys173Arg (NM_001346900.2); c.89-3236A>G (NM_001346941.2); short protein forms K181R, K173R, K226R.
Identifiers: ClinVar variation 3639820 (VCV003639820.2).
Genomic context (GRCh38, chr7:55,152,594, plus strand): 5'-GCTCTTTTTCAGTGACCAAAATCATCTGTGCCCAGCAGTGCTCCGGGCGCTGCCGTGGCA[A>G]GTCCCCCAGTGACTGCTGCCACAACCAGTGTGCTGCAGGCTGCACAGGCCCCCGGGAGAG-3'
Protein context (NP_005219.2, residues 216-236): AQQCSGRCRG[Lys226Arg]SPSDCCHNQC